The following is an entry in ClinVar:

ClinVar aggregate classification (germline): Likely pathogenic (1 of 4 stars; one submission).

Conditions:
CFTR-related disorder (CFTR-RD). Also called: CFTR-related disorders; CFTR-related condition. Identifiers: MedGen C5924204, MONDO:7770004.

Submission:

Natera, Inc.
Classification: Likely pathogenic for CFTR-related disorders. Last evaluated: 2024-03-30. Review status: criteria provided, single submitter. Criteria: Natera Variant Classification Schema (03/2026). Collection method: clinical testing. Allele origin: germline.
Comment: The c.2569_2570delAA variant in CFTR is a frameshift variant predicted to shift the reading frame beginning at codon 857 and leads to a stop codon 38 codons downstream. This variant is expected to result in nonsense mediated decay, truncation, or a dysfunctional protein product. This variant is rare in the general population with a frequency below the threshold expected for the associated phenotype(s). Given the available evidence, this variant is classified as Likely Pathogenic.

NM_000492.4(CFTR):c.2569_2570del (p.Lys857fs)

Gene: CFTR (CF transmembrane conductance regulator; plus strand). Cytogenetic location: 7q31.2.
Variant type: Deletion.
Coding change: c.2569_2570del on transcript NM_000492.4 (MANE Select); coding-DNA positions 2569 to 2570, 2 bases deleted (AA; older notation c.2569_2570delAA).
Protein change: p.Lys857fs; shifts the reading frame from lysine 857.
Molecular consequence: frameshift variant.
Genome position (GRCh38, 1-based): chr7:117,595,008-117,595,009, AA deleted. VCF-style (leftmost placement, unchanged base first): chr7-117595007-CAA-C. GRCh37 (hg19) VCF-style: chr7-117235061-CAA-C.
Other names: short protein forms K857fs.
Identifiers: ClinVar variation 4818508 (VCV004818508.1).